The following is an entry in ClinVar:

NM_000051.4(ATM):c.9084T>C (p.Val3028=)

Genes: ATM (ATM serine/threonine kinase; plus strand), C11orf65 (chromosome 11 open reading frame 65; minus strand). Cytogenetic location: 11q22.3.
Variant type: single nucleotide variant.
Coding change: c.9084T>C on transcript NM_000051.4 (MANE Select); coding-DNA position 9084, T replaced by C.
Protein change: p.Val3028=; no amino-acid change (valine 3028 retained).
Molecular consequence: synonymous variant. On other transcripts: intron variant (2).
Genome position (GRCh38, 1-based): chr11:108,365,421, T>C. VCF-style: chr11-108365421-T-C. GRCh37 (hg19) VCF-style: chr11-108236148-T-C.
Other names: c.9084T>C, p.Val3028= (NM_001351834.2); c.640+20499A>G (NM_001330368.2); c.694+20499A>G (NM_001351110.2).
Identifiers: ClinVar variation 186774 (VCV000186774.16), dbSNP rs786203210, ClinGen allele CA195833.

ClinVar aggregate classification (germline): Benign/Likely benign. Review status: criteria provided, multiple submitters, no conflicts (2 of 4 stars). 4 submissions from 4 submitters: Benign (1); Likely benign (3). Last evaluated 2025-12-27.

Conditions:
Hereditary cancer-predisposing syndrome. Also called: Hereditary Cancer Syndrome; Tumor predisposition; Neoplastic Syndromes, Hereditary; Hereditary neoplastic syndrome. Identifiers: Orphanet 140162, MedGen C0027672, MeSH D009386, MONDO:0015356.
Familial cancer of breast. Also called: hereditary breast carcinoma; BREAST CANCER, FAMILIAL; Hereditary breast cancer. Identifiers: Orphanet 227535, MedGen C0346153, MONDO:0016419, OMIM 114480. Disease mechanism: loss of function.
Ataxia-telangiectasia syndrome (AT). Also called: ATAXIA-TELANGIECTASIA, COMPLEMENTATION GROUP A; ATAXIA-TELANGIECTASIA, FRESNO VARIANT; Ataxia-telangiectasia; Ataxia-telangiectasia, complementation group E; Cerebello-oculocutaneous telangiectasia; Immunodeficiency with ataxia telangiectasia. Identifiers: Orphanet 100, MedGen C0004135, MONDO:0008840, OMIM 208900.

Submissions (4):

Labcorp Genetics (formerly Invitae), Labcorp
Classification: Likely benign for Ataxia-telangiectasia syndrome. Last evaluated: 2025-12-27. Review status: criteria provided, single submitter. Criteria: Invitae Variant Classification Sherloc (09022015). Collection method: clinical testing. Allele origin: germline.

Myriad Genetics, Inc.
Classification: Benign for Familial cancer of breast. Last evaluated: 2024-06-24. Review status: criteria provided, single submitter. Criteria: Myriad Autosomal Dominant, Autosomal Recessive and X-Linked Classification Criteria (2023). Collection method: clinical testing. Allele origin: unknown.
Comment: This variant is considered benign. This variant is a silent/synonymous amino acid change and it is not expected to impact splicing.

Women's Health and Genetics/Laboratory Corporation of America, LabCorp
Classification: Likely benign. Last evaluated: 2019-09-20. Review status: criteria provided, single submitter. Criteria: LabCorp Variant Classification Summary - May 2015. Collection method: clinical testing. Allele origin: germline.

Ambry Genetics
Classification: Likely benign for Hereditary cancer-predisposing syndrome. Last evaluated: 2014-10-17. Review status: criteria provided, single submitter. Criteria: Ambry Variant Classification Scheme 2023. Collection method: clinical testing. Allele origin: germline.